The following is an entry in ClinVar:

NM_207122.2(EXT2):c.316del (p.Val106fs)

Gene: EXT2 (exostosin glycosyltransferase 2; plus strand). Cytogenetic location: 11p11.2.
Variant type: Deletion.
Coding change: c.316del on transcript NM_207122.2 (MANE Select); coding-DNA position 316, one base deleted (G; older notation c.316delG).
Protein change: p.Val106fs; shifts the reading frame from valine 106.
Molecular consequence: frameshift variant.
Genome position (GRCh38, 1-based): chr11:44,108,028, G deleted; the last of 2 consecutive G bases (chr11:44,108,027-44,108,028); deleting either gives the same sequence. VCF-style (leftmost placement, unchanged base first): chr11-44108026-AG-A. GRCh37 (hg19) VCF-style: chr11-44129576-AG-A.
Other names: c.415del, p.Val139fs (NM_000401.3); c.316del, p.Val106fs (NM_001178083.3, NM_001389628.1, NM_001389630.1); short protein forms V106fs, V139fs.
Identifiers: ClinVar variation 3718623 (VCV003718623.2).

ClinVar aggregate classification (germline): Pathogenic (1 of 4 stars; one submission).

Conditions:
Exostoses, multiple, type 2 (EXT2). Also called: Hereditary Multiple Osteochondromatosis, Type II; EXOSTOSES, MULTIPLE, TYPE II. Identifiers: Orphanet 321, MedGen C1851413, MONDO:0007586, OMIM 133701.

Submission:

Labcorp Genetics (formerly Invitae), Labcorp
Classification: Pathogenic for Exostoses, multiple, type 2. Last evaluated: 2024-06-24. Review status: criteria provided, single submitter. Criteria: Invitae Variant Classification Sherloc (09022015). Collection method: clinical testing. Allele origin: germline.
Comment: This sequence change creates a premature translational stop signal (p.Val106Cysfs*6) in the EXT2 gene. It is expected to result in an absent or disrupted protein product. Loss-of-function variants in EXT2 are known to be pathogenic (PMID: 10679937, 19810120). This variant is not present in population databases (gnomAD no frequency). This premature translational stop signal has been observed in individual(s) with EXT2-related conditions (PMID: 3080661). This variant is also known as c.315del. For these reasons, this variant has been classified as Pathogenic.

Literature cited by the submitters: PubMed 10679937; PubMed 19810120; PubMed 3080661.